The following is an entry in ClinVar:

ClinVar aggregate classification (germline): Uncertain significance (1 of 4 stars; one submission).

Conditions:
Giant axonal neuropathy 1 (GAN1). Also called: GIANT AXONAL NEUROPATHY 1, AUTOSOMAL RECESSIVE; GAN-Related Neurodegeneration. Identifiers: Orphanet 643, MedGen C1850386, MONDO:0009749, OMIM 256850.

Allele frequency attached by ClinVar (database versions not stated): gnomAD 0.00003; gnomAD exomes 0.00003 and 0.00007; TOPMed 0.00004; ExAC 0.00005; ESP Exome Variant Server 0.00008.
gnomAD v4.1: 100 of 1,613,254 alleles (0.0062%); highest among the groups gnomAD compares: South Asian, 0.011%; no homozygotes.

Submission:

Labcorp Genetics (formerly Invitae), Labcorp
Classification: Uncertain significance for Giant axonal neuropathy 1. Last evaluated: 2022-06-16. Review status: criteria provided, single submitter. Criteria: Invitae Variant Classification Sherloc (09022015). Collection method: clinical testing. Allele origin: germline.
Comment: This sequence change falls in intron 8 of the GAN gene. It does not directly change the encoded amino acid sequence of the GAN protein. It affects a nucleotide within the consensus splice site. This variant is present in population databases (rs370881573, gnomAD 0.01%). This variant has not been reported in the literature in individuals affected with GAN-related conditions. ClinVar contains an entry for this variant (Variation ID: 465388). Variants that disrupt the consensus splice site are a relatively common cause of aberrant splicing (PMID: 17576681, 9536098). Algorithms developed to predict the effect of sequence changes on RNA splicing suggest that this variant is not likely to affect RNA splicing. In summary, the available evidence is currently insufficient to determine the role of this variant in disease. Therefore, it has been classified as a Variant of Uncertain Significance.

Literature cited by the submitters: PubMed 17576681; PubMed 9536098.

NM_022041.4(GAN):c.1373+5G>A

Gene: GAN (gigaxonin; plus strand). Cytogenetic location: 16q23.2.
Variant type: single nucleotide variant.
Coding change: c.1373+5G>A on transcript NM_022041.4 (MANE Select); 5 bases into the intron after coding-DNA position 1373, G replaced by A.
Molecular consequence: intron variant.
Genome position (GRCh38, 1-based): chr16:81,365,115, G>A. VCF-style: chr16-81365115-G-A. GRCh37 (hg19) VCF-style: chr16-81398720-G-A.
Other names: c.734+5G>A (NM_001377486.1).
Identifiers: ClinVar variation 465388 (VCV000465388.5), dbSNP rs370881573, ClinGen allele CA8191718.
Genomic context (GRCh38, chr16:81,365,115, plus strand): 5'-TGTTATGATCCCAGGACCCAGCAGTGGACTGCCATATGTCCACTAAAAGAGAGGAGGTAC[G>A]TGGCTGTGGGGTGGACTTTGTAGATTCCCTTGCTGTTCACTGGGTCTGGAGCCCCTTACC-3'